The following is an entry in ClinVar:

NM_000090.4(COL3A1):c.2277C>T (p.Gly759=)

Gene: COL3A1 (collagen type III alpha 1 chain; plus strand). Cytogenetic location: 2q32.2.
Variant type: single nucleotide variant.
Coding change: c.2277C>T on transcript NM_000090.4 (MANE Select); coding-DNA position 2277, C replaced by T.
Protein change: p.Gly759=; no amino-acid change (glycine 759 retained).
Molecular consequence: synonymous variant.
Genome position (GRCh38, 1-based): chr2:188,999,889, C>T. VCF-style: chr2-188999889-C-T. GRCh37 (hg19) VCF-style: chr2-189864615-C-T.
Identifiers: ClinVar variation 629630 (VCV000629630.13), dbSNP rs763343051, ClinGen allele CA075153.

ClinVar aggregate classification (germline): Likely benign. Review status: criteria provided, multiple submitters, no conflicts (2 of 4 stars). 4 submissions from 4 submitters: Likely benign (4). Last evaluated 2025-10-21.

Conditions:
Ehlers-Danlos syndrome, type 4 (EDSVASC). Also called: Ehlers-Danlos syndrome vascular type; Ehlers Danlos syndrome, ecchymotic type; Ehlers Danlos syndrome, arterial type; Ehlers Danlos syndrome, Sack-Barabas type; Ehlers-Danlos Syndrome Type IV. Identifiers: Orphanet 286, MedGen C0268338, MONDO:0017314, OMIM 130050.
Familial thoracic aortic aneurysm and aortic dissection (TAAD). Also called: Thoracic aortic aneurysms and dissections. Identifiers: Orphanet 91387, MedGen C4707243, MONDO:0019625.

Allele frequency attached by ClinVar (database versions not stated): gnomAD 0.00001; gnomAD exomes 0.00003 and 0.00007; ExAC 0.00006.
gnomAD v4.1: 42 of 1,590,202 alleles (0.0026%); highest among the groups gnomAD compares: South Asian, 0.047%; no homozygotes.

Submissions (4):

Labcorp Genetics (formerly Invitae), Labcorp
Classification: Likely benign for Ehlers-Danlos syndrome, type 4. Last evaluated: 2025-10-21. Review status: criteria provided, single submitter. Criteria: Invitae Variant Classification Sherloc (09022015). Collection method: clinical testing. Allele origin: germline.

Ambry Genetics
Classification: Likely benign for Familial thoracic aortic aneurysm and aortic dissection. Last evaluated: 2025-04-12. Review status: criteria provided, single submitter. Criteria: Ambry Variant Classification Scheme 2023. Collection method: clinical testing. Allele origin: germline.

All of Us Research Program, National Institutes of Health
Classification: Likely benign for Ehlers-Danlos syndrome, type 4. Last evaluated: 2023-12-13. Review status: criteria provided, single submitter. Criteria: ACMG Guidelines, 2015. Collection method: clinical testing. Allele origin: germline. Inheritance: Autosomal dominant inheritance. Observed: 2 variant alleles, 2 heterozygotes.
Comment: This study involves interpretation of variants in research participants for the purpose of population health screening. Participant phenotype was not available at the time of variant classification. Additional details can be found in publication PMID: 35346344, PMCID: PMC8962531

Color Diagnostics, LLC DBA Color Health
Classification: Likely benign for Familial thoracic aortic aneurysm and aortic dissection. Last evaluated: 2018-10-18. Review status: criteria provided, single submitter. Criteria: ACMG Guidelines, 2015. Collection method: clinical testing. Allele origin: germline.